The following is an entry in ClinVar:

ClinVar aggregate classification (germline): Pathogenic/Likely pathogenic. Review status: criteria provided, multiple submitters, no conflicts (2 of 4 stars). 7 submissions from 7 submitters: Pathogenic (3); Likely pathogenic (2). 2 of the submissions do not count toward it. Last evaluated 2025-12-09.

Conditions:
Autosomal recessive POLG-related disorders.
Mitochondrial DNA depletion syndrome 4b. Also called: Mitochondrial Neurogastrointestinal Encephalopathy Disease, POLG-Related; MNGIE, POLG-RELATED. Identifiers: Orphanet 298, MedGen C3150914, MONDO:0013350, OMIM 613662.
Progressive sclerosing poliodystrophy (MTDPS4A). Also called: Mitochondrial DNA depletion syndrome 4A (Alpers type); Alpers Syndrome; ALPERS DIFFUSE DEGENERATION OF CEREBRAL GRAY MATTER WITH HEPATIC CIRRHOSIS; Mitochondrial DNA Depletion Syndrome 4A; Alpers-Huttenlocher Syndrome (AHS); ALPERS PROGRESSIVE INFANTILE POLIODYSTROPHY. Identifiers: Orphanet 726, MedGen C0205710, MONDO:0008758, OMIM 203700.
Progressive external ophthalmoplegia with mitochondrial DNA deletions, autosomal dominant 1 (PEOA1). Also called: Autosomal Dominant Progressive External Ophthalmoplegia (adPEO); PROGRESSIVE EXTERNAL OPHTHALMOPLEGIA, AUTOSOMAL DOMINANT 1. Identifiers: MedGen C1834846, MONDO:0024528, OMIM 157640.
Progressive external ophthalmoplegia with mitochondrial DNA deletions, autosomal recessive 1 (PEOB1). Also called: Progressive external ophthalmoplegia, autosomal recessive 1; Autosomal Recessive Progressive External Ophthalmoplegia (arPEO). Identifiers: Orphanet 254886, MedGen C4225153, MONDO:0009783, OMIM 258450.
Sensory ataxic neuropathy, dysarthria, and ophthalmoparesis (SANDO). Also called: Epilepsy, progressive myoclonic, type 5; Ataxia Neuropathy Spectrum (ANS); Sensory ataxic neuropathy-dysarthria-ophthalmoparesis syndrome; SENSORY ATAXIC NEUROPATHY WITH MITOCHONDRIAL DNA DELETIONS, AUTOSOMAL RECESSIVE. Identifiers: Orphanet 70595, MedGen C1843851, MONDO:0011835, OMIM 607459.

Allele frequency attached by ClinVar (database versions not stated): gnomAD exomes below 0.00001 and 0.00001; gnomAD 0.00001.
gnomAD v4.1: 8 of 1,613,892 alleles (0.0005%); highest among the groups gnomAD compares: Non-Finnish European, 0.00059%; no homozygotes.

Submissions (7):

Variantyx, Inc.
Classification: Likely pathogenic for Autosomal recessive POLG-related disorders. Last evaluated: 2025-12-09. Review status: criteria provided, single submitter. Criteria: Variantyx Assertion Criteria 2022. Collection method: clinical testing. Allele origin: germline. Inheritance: Autosomal recessive inheritance. Affected: no.
Comment: This is a nonsynonymous variant in the POLG gene (OMIM: 174763). Pathogenic variants in this gene have been associated with autosomal recessive POLG-related disorders. This variant has been identified in the homozygous or compound heterozygous state in at least two individuals reported in the published literature (PMID: 15689359, 29915382) (PM3). Multiple computational algorithms predict a deleterious effect for this variant (REVEL score: 0.979) (PP3), and an alternate amino acid change(s) at this position (p.Ala957Val) has been previously reported in similarly affected individuals, which suggests that this residue is biologically important (PMID: 21880868) (PM5). This variant has a 0.0017% maximum allele frequency in non-founder control populations (PM2). Based on the current evidence, this variant is classified as likely pathogenic for autosomal recessive POLG-related disorders.

GeneDx
Classification: Pathogenic. Last evaluated: 2025-10-01. Review status: criteria provided, single submitter. Criteria: GeneDx Variant Classification Process June 2021. Collection method: clinical testing. Allele origin: germline. Affected: yes.
Comment: Published functional studies found this variant is associated with decreased catalytic efficiency in incorporating correct dNTP into DNA (PMID: 23208208); Not observed at significant frequency in large population cohorts (gnomAD); In silico analysis supports that this missense variant has a deleterious effect on protein structure/function; This variant is associated with the following publications: (PMID: 16957900, 20185557, 23545419, 29915382, 37470284, 15689359, 40238457, 19578034, 23208208)

Labcorp Genetics (formerly Invitae), Labcorp
Classification: Pathogenic for Progressive sclerosing poliodystrophy. Last evaluated: 2024-06-11. Review status: criteria provided, single submitter. Criteria: Invitae Variant Classification Sherloc (09022015). Collection method: clinical testing. Allele origin: germline.
Comment: This sequence change replaces alanine, which is neutral and non-polar, with proline, which is neutral and non-polar, at codon 957 of the POLG protein (p.Ala957Pro). This variant is present in population databases (no rsID available, gnomAD 0.0009%). This missense change has been observed in individual(s) with autosomal recessive POLG-related conditions (PMID: 15689359, 29915382). In at least one individual the data is consistent with being in trans (on the opposite chromosome) from a pathogenic variant. ClinVar contains an entry for this variant (Variation ID: 436358). Advanced modeling of protein sequence and biophysical properties (such as structural, functional, and spatial information, amino acid conservation, physicochemical variation, residue mobility, and thermodynamic stability) performed at Invitae indicates that this missense variant is expected to disrupt POLG protein function with a positive predictive value of 95%. Experimental studies have shown that this missense change affects POLG function (PMID: 23208208). This variant disrupts the p.Ala957 amino acid residue in POLG. Other variant(s) that disrupt this residue have been determined to be pathogenic (PMID: 21880868, 25466440, 32703289). This suggests that this residue is clinically significant, and that variants that disrupt this residue are likely to be disease-causing. For these reasons, this variant has been classified as Pathogenic.

Fulgent Genetics
Classification: Pathogenic for Progressive external ophthalmoplegia with mitochondrial DNA deletions, autosomal dominant 1; Progressive sclerosing poliodystrophy; Progressive external ophthalmoplegia with mitochondrial DNA deletions, autosomal recessive 1; Sensory ataxic neuropathy, dysarthria, and ophthalmoparesis; Mitochondrial DNA depletion syndrome 4b. Last evaluated: 2024-02-10. Review status: criteria provided, single submitter. Criteria: ACMG Guidelines, 2015. Collection method: clinical testing. Allele origin: germline.

Genetic Services Laboratory, University of Chicago
Classification: Likely pathogenic. Last evaluated: 2015-09-02. Review status: criteria provided, single submitter. Criteria: ACMG Guidelines, 2015. Collection method: clinical testing. Allele origin: germline. Affected: yes.

Clinical Genetics DNA and cytogenetics Diagnostics Lab, Erasmus MC, Erasmus Medical Center
Classification: Pathogenic. Review status: no assertion criteria provided. Collection method: clinical testing. Allele origin: germline. Affected: yes. Study: VKGL Data-share Consensus. Not counted in ClinVar's aggregate classification.

Joint Genome Diagnostic Labs from Nijmegen and Maastricht, Radboudumc and MUMC+
Classification: Pathogenic. Review status: no assertion criteria provided. Collection method: clinical testing. Allele origin: germline. Affected: yes. Study: VKGL Data-share Consensus. Not counted in ClinVar's aggregate classification.

Literature cited by the submitters: PubMed 15689359 (cited by Variantyx, Inc. and Labcorp Genetics (formerly Invitae), Labcorp); PubMed 21880868 (cited by Variantyx, Inc. and Labcorp Genetics (formerly Invitae), Labcorp); PubMed 29915382 (cited by Labcorp Genetics (formerly Invitae), Labcorp); PubMed 23208208 (cited by Labcorp Genetics (formerly Invitae), Labcorp); PubMed 25466440 (cited by Labcorp Genetics (formerly Invitae), Labcorp); PubMed 32703289 (cited by Labcorp Genetics (formerly Invitae), Labcorp).

NM_002693.3(POLG):c.2869G>C (p.Ala957Pro)

Gene: POLG (DNA polymerase gamma, catalytic subunit; minus strand). Cytogenetic location: 15q26.1.
Variant type: single nucleotide variant.
Coding change: c.2869G>C on transcript NM_002693.3 (MANE Select); coding-DNA position 2869, G replaced by C.
Protein change: p.Ala957Pro; replaces alanine 957 with proline.
Molecular consequence: missense variant.
Genome position (GRCh38, 1-based): chr15:89,320,878, C>G on the plus strand (G>C on the coding strand, the complement: POLG is on the minus strand). VCF-style: chr15-89320878-C-G. GRCh37 (hg19) VCF-style: chr15-89864109-C-G.
Other names: c.2869G>C, p.Ala957Pro (NM_001126131.2); short protein forms A957P.
Identifiers: ClinVar variation 436358 (VCV000436358.19), dbSNP rs121918051, ClinGen allele CA393752678.